The following is an entry in ClinVar:

ClinVar aggregate classification (germline): Uncertain significance. Review status: criteria provided, multiple submitters, no conflicts (2 of 4 stars). 2 submissions from 2 submitters: Uncertain significance (2). Last evaluated 2023-01-11.

Conditions:
Isolated microphthalmia 6. Also called: MICROPHTHALMIA, POSTERIOR NONSYNDROMIC. Identifiers: Orphanet 2542, MedGen C3150757, MONDO:0013293, OMIM 613517.
Inborn genetic diseases. Identifiers: MedGen C0950123, MeSH D030342.

Allele frequency attached by ClinVar (database versions not stated): gnomAD exomes 0.00009; 1000 Genomes Project 30x 0.00016; 1000 Genomes Project 0.00020.

Submissions (2):

Ambry Genetics
Classification: Uncertain significance for Inborn genetic diseases. Last evaluated: 2023-01-11. Review status: criteria provided, single submitter. Criteria: Ambry Variant Classification Scheme 2023. Collection method: clinical testing. Allele origin: germline.

Labcorp Genetics (formerly Invitae), Labcorp
Classification: Uncertain significance for Isolated microphthalmia 6. Last evaluated: 2021-04-13. Review status: criteria provided, single submitter. Criteria: Invitae Variant Classification Sherloc (09022015). Collection method: clinical testing. Allele origin: germline.
Comment: In summary, the available evidence is currently insufficient to determine the role of this variant in disease. Therefore, it has been classified as a Variant of Uncertain Significance. Algorithms developed to predict the effect of missense changes on protein structure and function output the following: SIFT: "Deleterious"; PolyPhen-2: "Not Available"; Align-GVGD: "Class C0". The threonine amino acid residue is found in multiple mammalian species, suggesting that this missense change does not adversely affect protein function. These predictions have not been confirmed by published functional studies and their clinical significance is uncertain. This variant has not been reported in the literature in individuals with PRSS56-related conditions. The frequency data for this variant in the population databases is considered unreliable, as metrics indicate insufficient coverage at this position in the ExAC database. This sequence change replaces alanine with threonine at codon 600 of the PRSS56 protein (p.Ala600Thr). The alanine residue is weakly conserved and there is a small physicochemical difference between alanine and threonine.

NM_001195129.2(PRSS56):c.1798G>A (p.Ala600Thr)

Gene: PRSS56 (serine protease 56; plus strand). Cytogenetic location: 2q37.1.
Variant type: single nucleotide variant.
Coding change: c.1798G>A on transcript NM_001195129.2 (MANE Select); coding-DNA position 1798, G replaced by A.
Protein change: p.Ala600Thr; replaces alanine 600 with threonine.
Molecular consequence: missense variant.
Genome position (GRCh38, 1-based): chr2:232,525,492, G>A. VCF-style: chr2-232525492-G-A. GRCh37 (hg19) VCF-style: chr2-233390202-G-A.
Other names: c.1801G>A, p.Ala601Thr (NM_001369848.1); c.1798G>A (NM_001195129.1); short protein forms A600T, A601T.
Identifiers: ClinVar variation 1422679 (VCV001422679.9), dbSNP rs534125240, ClinGen allele CA66949857.
Genomic context (GRCh38, chr2:232,525,492, plus strand): 5'-GGGCAGGGGCCCGGGCTGGAGAGGAAGGGGCACCACCCACTCAACCCTCAGGTACCCCCC[G>A]CCAGGCAACCCTGAGCCATGTCTGGGCCCCCAGCCCCTGGGGAGGACCTACTGCTCCCAG-3'
Protein context (NP_001182058.1, residues 590-603): HHPLNPQVPP[Ala600Thr]RQP